The following is an entry in ClinVar:

NM_004589.4(SCO1):c.688A>C (p.Thr230Pro)

Gene: SCO1 (synthesis of cytochrome C oxidase 1; minus strand). Cytogenetic location: 17p13.1.
Variant type: single nucleotide variant.
Coding change: c.688A>C on transcript NM_004589.4 (MANE Select); coding-DNA position 688, A replaced by C.
Protein change: p.Thr230Pro; replaces threonine 230 with proline.
Molecular consequence: missense variant.
Genome position (GRCh38, 1-based): chr17:10,686,810, T>G on the plus strand (A>C on the coding strand, the complement: SCO1 is on the minus strand). VCF-style: chr17-10686810-T-G. GRCh37 (hg19) VCF-style: chr17-10590127-T-G.
Other names: short protein forms T230P.
Identifiers: ClinVar variation 5008366 (VCV005008366.1).

ClinVar aggregate classification (germline): Uncertain significance (1 of 4 stars; one submission).

gnomAD v4.1: 12 of 1,613,910 alleles (0.00074%); highest among the groups gnomAD compares: Non-Finnish European, 0.001%; no homozygotes.

Submission:

GeneDx
Classification: Uncertain significance. Last evaluated: 2026-03-05. Review status: criteria provided, single submitter. Criteria: GeneDx Variant Classification Process June 2021. Collection method: clinical testing. Allele origin: germline.
Comment: Not observed at significant frequency in large population cohorts (gnomAD); In silico analysis supports that this missense variant has a deleterious effect on protein structure/function; Has not been previously published as pathogenic or benign to our knowledge